The following is an entry in ClinVar:

ClinVar aggregate classification (germline): Uncertain significance (1 of 4 stars; one submission).

Allele frequency attached by ClinVar (database versions not stated): TOPMed below 0.00001.
gnomAD v4.1: 1 of 1,613,880 alleles (0.000062%); highest among the groups gnomAD compares: African/African-American, 0.0013%; no homozygotes.

Submission:

Labcorp Genetics (formerly Invitae), Labcorp
Classification: Uncertain significance. Last evaluated: 2023-08-30. Review status: criteria provided, single submitter. Criteria: Invitae Variant Classification Sherloc (09022015). Collection method: clinical testing. Allele origin: germline.
Comment: In summary, the available evidence is currently insufficient to determine the role of this variant in disease. Therefore, it has been classified as a Variant of Uncertain Significance. Experimental studies and prediction algorithms are not available or were not evaluated, and the functional significance of this variant is currently unknown. ClinVar contains an entry for this variant (Variation ID: 2095402). This variant has not been reported in the literature in individuals affected with SON-related conditions. This variant is not present in population databases (gnomAD no frequency). This sequence change replaces serine, which is neutral and polar, with cysteine, which is neutral and slightly polar, at codon 1845 of the SON protein (p.Ser1845Cys).

NM_138927.4(SON):c.5534C>G (p.Ser1845Cys)

Gene: SON (SON DNA and RNA binding protein; plus strand). Cytogenetic location: 21q22.11.
Variant type: single nucleotide variant.
Coding change: c.5534C>G on transcript NM_138927.4 (MANE Select); coding-DNA position 5534, C replaced by G.
Protein change: p.Ser1845Cys; replaces serine 1845 with cysteine.
Molecular consequence: missense variant. On other transcripts: non-coding transcript variant (1), intron variant (1).
Genome position (GRCh38, 1-based): chr21:33,554,765, C>G. VCF-style: chr21-33554765-C-G. GRCh37 (hg19) VCF-style: chr21-34927071-C-G.
Other names: c.5534C>G, p.Ser1845Cys (NM_001291411.2, NM_001412133.1, NM_032195.3 and 2 more transcripts); c.245-2391C>G (NM_001291412.3); short protein forms S1845C.
Identifiers: ClinVar variation 2095402 (VCV002095402.4), dbSNP rs2085921181, ClinGen allele CA410165008.